The following is an entry in ClinVar:

ClinVar aggregate classification (germline): Uncertain significance (1 of 4 stars; one submission).

gnomAD v4.1: 1 of 1,587,204 alleles (0.000063%); no homozygotes.

Submission:

Ambry Genetics
Classification: Uncertain significance. Last evaluated: 2022-04-04. Review status: criteria provided, single submitter. Criteria: Ambry Variant Classification Scheme 2023. Collection method: clinical testing. Allele origin: germline.
Comment: The p.V569A variant (also known as c.1706T>C), located in coding exon 16 of the PRKDC gene, results from a T to C substitution at nucleotide position 1706. The valine at codon 569 is replaced by alanine, an amino acid with similar properties. This amino acid position is conserved. In addition, the in silico prediction for this alteration is inconclusive. Since supporting evidence is limited at this time, the clinical significance of this alteration remains unclear.

NM_006904.7(PRKDC):c.1706T>C (p.Val569Ala)

Gene: PRKDC (protein kinase, DNA-activated, catalytic subunit; minus strand). Cytogenetic location: 8q11.21.
Variant type: single nucleotide variant.
Coding change: c.1706T>C on transcript NM_006904.7 (MANE Select); coding-DNA position 1706, T replaced by C.
Protein change: p.Val569Ala; replaces valine 569 with alanine.
Molecular consequence: missense variant.
Genome position (GRCh38, 1-based): chr8:47,933,090, A>G on the plus strand (T>C on the coding strand, the complement: PRKDC is on the minus strand). VCF-style: chr8-47933090-A-G. GRCh37 (hg19) VCF-style: chr8-48845650-A-G.
Other names: c.1706T>C, p.Val569Ala (NM_001081640.2); short protein forms V569A.
Identifiers: ClinVar variation 1778461 (VCV001778461.2), dbSNP rs2551879029, ClinGen allele CA371165040.